The following is an entry in ClinVar:

ClinVar aggregate classification (germline): Uncertain significance (1 of 4 stars; one submission).

Conditions:
Familial hyperprolactinemia (HPRL). Identifiers: Orphanet 397685, MedGen C4706551, MONDO:0014250, OMIM 615555.

gnomAD v4.1: 10 of 1,612,358 alleles (0.00062%); highest among the groups gnomAD compares: South Asian, 0.0055%; no homozygotes.

Submission:

3billion
Classification: Uncertain significance for Familial hyperprolactinemia. Last evaluated: 2024-09-24. Review status: criteria provided, single submitter. Criteria: ACMG Guidelines, 2015. Collection method: clinical testing. Allele origin: germline. Affected: yes.
Comment: The variant is observed at an extremely low frequency in the gnomAD v4.0.0 dataset (total allele frequency: <0.001%). Predicted Consequence/Location: Missense variant. Missense changes are a common disease-causing mechanism. In silico tool predictions suggest no damaging effect of the variant on gene or gene product [REVEL: 0.19 (<0.4); 3Cnet: 0.00 (<0.15, specificity 0.78 and negative predictive value 0.92)]. Therefore, this variant is classified as VUS according to the recommendation of ACMG/AMP guideline.

NM_000949.7(PRLR):c.842C>T (p.Ala281Val)

Gene: PRLR (prolactin receptor; minus strand). Cytogenetic location: 5p13.2.
Variant type: single nucleotide variant.
Coding change: c.842C>T on transcript NM_000949.7 (MANE Select); coding-DNA position 842, C replaced by T.
Protein change: p.Ala281Val; replaces alanine 281 with valine.
Molecular consequence: missense variant. On other transcripts: non-coding transcript variant (1), intron variant (1).
Genome position (GRCh38, 1-based): chr5:35,068,229, G>A on the plus strand (C>T on the coding strand, the complement: PRLR is on the minus strand). VCF-style: chr5-35068229-G-A. GRCh37 (hg19) VCF-style: chr5-35068331-G-A.
Other names: c.539C>T, p.Ala180Val (NM_001204314.2); c.842C>T, p.Ala281Val (NM_001204315.1, NM_001204316.1, NM_001204317.1); c.685+1895C>T (NM_001204318.1); short protein forms A180V, A281V.
Identifiers: ClinVar variation 4294053 (VCV004294053.1).